The following is an entry in ClinVar:

NM_001128178.3(NPHP1):c.11G>A (p.Arg4Lys)

Gene: NPHP1 (nephrocystin 1; minus strand). Cytogenetic location: 2q13.
Variant type: single nucleotide variant.
Coding change: c.11G>A on transcript NM_001128178.3 (MANE Select); coding-DNA position 11, G replaced by A.
Protein change: p.Arg4Lys; replaces arginine 4 with lysine.
Molecular consequence: missense variant.
Genome position (GRCh38, 1-based): chr2:110,204,958, C>T on the plus strand (G>A on the coding strand, the complement: NPHP1 is on the minus strand). VCF-style: chr2-110204958-C-T. GRCh37 (hg19) VCF-style: chr2-110962535-C-T.
Other names: c.11G>A, p.Arg4Lys (NM_000272.5, NM_001128179.3, NM_001374256.1 and 2 more transcripts); short protein forms R4K.
Identifiers: ClinVar variation 1716759 (VCV001716759.5), dbSNP rs2467622083, ClinGen allele CA348094348.
Genomic context (GRCh38, chr2:110,204,958, plus strand): 5'-ACCTGTTGCTTCAGCTCCTGATTGCGGCGCCGCAGGGCCTGGAGAGGATCTCGCTGTCGT[C>T]TCGCCAGCATCTCCCTGGCTGCGGTGCTCTGATTGCTCCAGTTGCCAGGGAAACCAACCG-3'
Protein context (NP_001121650.1, residues 1-14): MLA[Arg4Lys]RQRDPLQALR

ClinVar aggregate classification (germline): Uncertain significance (1 of 4 stars; one submission).

Conditions:
Nephronophthisis. Also called: Juvenile Nephronophthisis. Identifiers: Orphanet 655, MedGen C0687120, MONDO:0019005, HP:0000090.

Submission:

Labcorp Genetics (formerly Invitae), Labcorp
Classification: Uncertain significance for Nephronophthisis. Last evaluated: 2022-08-19. Review status: criteria provided, single submitter. Criteria: Invitae Variant Classification Sherloc (09022015). Collection method: clinical testing. Allele origin: germline.
Comment: This sequence change replaces arginine, which is basic and polar, with lysine, which is basic and polar, at codon 4 of the NPHP1 protein (p.Arg4Lys). This variant is not present in population databases (gnomAD no frequency). This variant has not been reported in the literature in individuals affected with NPHP1-related conditions. Algorithms developed to predict the effect of missense changes on protein structure and function output the following: SIFT: "Tolerated"; PolyPhen-2: "Benign"; Align-GVGD: "Class C0". The lysine amino acid residue is found in multiple mammalian species, which suggests that this missense change does not adversely affect protein function. In summary, the available evidence is currently insufficient to determine the role of this variant in disease. Therefore, it has been classified as a Variant of Uncertain Significance.